The following is an entry in ClinVar:

NM_015703.5(RRP7A):c.192C>T (p.Leu64=)

Gene: RRP7A (ribosomal RNA processing 7 homolog A; minus strand). Cytogenetic location: 22q13.2.
Variant type: single nucleotide variant.
Coding change: c.192C>T on transcript NM_015703.5 (MANE Select); coding-DNA position 192, C replaced by T.
Protein change: p.Leu64=; no amino-acid change (leucine 64 retained).
Molecular consequence: synonymous variant.
Genome position (GRCh38, 1-based): chr22:42,518,029, G>A on the plus strand (C>T on the coding strand, the complement: RRP7A is on the minus strand). VCF-style: chr22-42518029-G-A. GRCh37 (hg19) VCF-style: chr22-42914035-G-A.
Identifiers: ClinVar variation 3026348 (VCV003026348.22), dbSNP rs1421454417, ClinGen allele CA514722353.

ClinVar aggregate classification (germline): Likely benign (1 of 4 stars; one submission).

Allele frequency attached by ClinVar (database versions not stated): gnomAD exomes 0.00001.
gnomAD v4.1: 3 of 1,613,492 alleles (0.00019%); highest among the groups gnomAD compares: South Asian, 0.0011%; no homozygotes.

Submission:

CeGaT Center for Human Genetics Tuebingen
Classification: Likely benign. Last evaluated: 2024-03-01. Review status: criteria provided, single submitter. Criteria: CeGaT Center For Human Genetics Tuebingen Variant Classification Criteria Version 2. Collection method: clinical testing. Allele origin: germline. Affected: yes. Observed: 1 variant allele.
Comment: RRP7A: PM2:Supporting, BP4, BP7